The following is an entry in ClinVar:

NM_139242.4(MTFMT):c.690_693del (p.Arg231fs)

Gene: MTFMT (mitochondrial methionyl-tRNA formyltransferase; minus strand). Cytogenetic location: 15q22.31.
Variant type: Deletion.
Coding change: c.690_693del on transcript NM_139242.4 (MANE Select); coding-DNA positions 690 to 693, 4 bases deleted (AAGG; older notation c.690_693delAAGG).
Protein change: p.Arg231fs; shifts the reading frame from arginine 231.
Molecular consequence: frameshift variant.
Genome position (GRCh38, 1-based): chr15:65,020,225-65,020,228, CCTT deleted on the plus strand (AAGG on the coding strand, the reverse complement: MTFMT is on the minus strand); deleting any 4 consecutive bases within chr15:65,020,225-65,020,230 gives the same sequence; the c. name uses the placement nearest the transcript's 3' end. VCF-style (leftmost placement, unchanged base first): chr15-65020224-GCCTT-G. GRCh37 (hg19) VCF-style: chr15-65312562-GCCTT-G.
Other names: short protein forms R231fs.
Identifiers: ClinVar variation 1402449 (VCV001402449.6), dbSNP rs2140484777, ClinGen allele CA2573151044.

ClinVar aggregate classification (germline): Pathogenic (1 of 4 stars; one submission).

Submission:

Labcorp Genetics (formerly Invitae), Labcorp
Classification: Pathogenic. Last evaluated: 2022-03-22. Review status: criteria provided, single submitter. Criteria: Invitae Variant Classification Sherloc (09022015). Collection method: clinical testing. Allele origin: germline.
Comment: This variant is not present in population databases (gnomAD no frequency). This sequence change creates a premature translational stop signal (p.Arg231Serfs*20) in the MTFMT gene. It is expected to result in an absent or disrupted protein product. Loss-of-function variants in MTFMT are known to be pathogenic (PMID: 21907147, 24461907). This variant has not been reported in the literature in individuals affected with MTFMT-related conditions. For these reasons, this variant has been classified as Pathogenic.

Literature cited by the submitters: PubMed 21907147; PubMed 24461907.